The following is an entry in ClinVar:

NM_000059.4(BRCA2):c.1846del (p.Cys616fs)

Gene: BRCA2 (BRCA2 DNA repair associated; plus strand). Cytogenetic location: 13q13.1.
Variant type: Deletion.
Coding change: c.1846del on transcript NM_000059.4 (MANE Select); coding-DNA position 1846, one base deleted (T; older notation c.1846delT).
Protein change: p.Cys616fs; shifts the reading frame from cysteine 616.
Molecular consequence: frameshift variant.
Genome position (GRCh38, 1-based): chr13:32,333,324, T deleted. VCF-style (leftmost placement, unchanged base first): chr13-32333323-CT-C. GRCh37 (hg19) VCF-style: chr13-32907460-CT-C.
Other names: c.1846delT (NM_000059.3); short protein forms C616fs.
Identifiers: ClinVar variation 633119 (VCV000633119.10), dbSNP rs1566224496, ClinGen allele CA913190900.
Genomic context (GRCh38, chr13:32,333,323, plus strand): 5'-TGATGAAACATCTTATAAAGGAAAAAAAATACCGAAAGACCAAAAATCAGAACTAATTAA[CT>C]GTTCAGCCCAGTTTGAAGCAAATGCTTTTGAAGCACCACTTACATTTGCAAATGCTGATT-3'

ClinVar aggregate classification (germline): Pathogenic/Likely pathogenic. Review status: criteria provided, multiple submitters, no conflicts (2 of 4 stars). 3 submissions from 3 submitters: Pathogenic (2); Likely pathogenic (1). Last evaluated 2024-05-21.

Conditions:
Hereditary cancer-predisposing syndrome. Also called: Tumor predisposition; Neoplastic Syndromes, Hereditary; Hereditary neoplastic syndrome; Hereditary Cancer Syndrome. Identifiers: Orphanet 140162, MedGen C0027672, MeSH D009386, MONDO:0015356.
Hereditary breast ovarian cancer syndrome. Also called: Hereditary breast and ovarian cancer; Hereditary breast and ovarian cancer syndrome (HBOC); Breast and ovarian cancer; Hereditary breast and ovarian cancer syndrome; BRCA1- and BRCA2-Associated Hereditary Breast and Ovarian Cancer; Hereditary breast and/or ovarian cancer syndrome. Identifiers: Orphanet 145, MedGen C0677776, MeSH D061325, MONDO:0003582. Disease mechanism: loss of function.

Submissions (3):

Labcorp Genetics (formerly Invitae), Labcorp
Classification: Pathogenic for Hereditary breast ovarian cancer syndrome. Last evaluated: 2024-05-21. Review status: criteria provided, single submitter. Criteria: Invitae Variant Classification Sherloc (09022015). Collection method: clinical testing. Allele origin: germline.
Comment: This sequence change creates a premature translational stop signal (p.Cys616Valfs*28) in the BRCA2 gene. It is expected to result in an absent or disrupted protein product. Loss-of-function variants in BRCA2 are known to be pathogenic (PMID: 20104584). This variant is not present in population databases (gnomAD no frequency). This variant has not been reported in the literature in individuals affected with BRCA2-related conditions. ClinVar contains an entry for this variant (Variation ID: 633119). For these reasons, this variant has been classified as Pathogenic.

Ambry Genetics
Classification: Pathogenic for Hereditary cancer-predisposing syndrome. Last evaluated: 2023-12-08. Review status: criteria provided, single submitter. Criteria: Ambry Variant Classification Scheme 2023. Collection method: clinical testing. Allele origin: germline.
Comment: The c.1846delT pathogenic mutation, located in coding exon 9 of the BRCA2 gene, results from a deletion of one nucleotide at nucleotide position 1846, causing a translational frameshift with a predicted alternate stop codon (p.C616Vfs*28). This variant is considered to be rare based on population cohorts in the Genome Aggregation Database (gnomAD). This alteration is expected to result in loss of function by premature protein truncation or nonsense-mediated mRNA decay. As such, this alteration is interpreted as a disease-causing mutation.

Women's Health and Genetics/Laboratory Corporation of America, LabCorp
Classification: Likely pathogenic for Hereditary breast and ovarian cancer syndrome. Last evaluated: 2018-08-20. Review status: criteria provided, single submitter. Criteria: LabCorp Variant Classification Summary - May 2015. Collection method: clinical testing. Allele origin: germline.
Comment: Variant summary: BRCA2 c.1846delT (p.Cys616ValfsX28) results in a premature termination codon, predicted to cause a truncation of the encoded protein or absence of the protein due to nonsense mediated decay, which are commonly known mechanisms for disease. Truncations downstream of this position have been classified as pathogenic by our laboratory (eg. c.1855C>T (p.Gln619X), c.1888dupA (p.Thr630fsX6), and c.1889delC (p.Thr630fsX14)). The variant was absent in 237612 control chromosomes (gnomAD). To our knowledge, no occurrence of c.1846delT in individuals affected with Hereditary Breast and Ovarian Cancer and no experimental evidence demonstrating its impact on protein function have been reported. No clinical diagnostic laboratories have submitted clinical-significance assessments for this variant to ClinVar after 2014. Based on the evidence outlined above, the variant was classified as likely pathogenic.

Literature cited by the submitters: PubMed 20104584 (cited by Labcorp Genetics (formerly Invitae), Labcorp).